The following is an entry in ClinVar:

ClinVar aggregate classification (germline): Pathogenic (1 of 4 stars; one submission).

Conditions:
Renal cysts and diabetes syndrome (RCAD). Also called: Familial hypoplastic, glomerulocystic kidney; MATURITY-ONSET DIABETES OF THE YOUNG, TYPE 5. Identifiers: Orphanet 93111, MedGen C0431693, MONDO:0007669, OMIM 137920.

Submission:

Institute of Human Genetics, FAU Erlangen, Friedrich-Alexander-Universität Erlangen-Nürnberg
Classification: Pathogenic for Renal cysts and diabetes syndrome. Last evaluated: 2019-07-06. Review status: criteria provided, single submitter. Criteria: ACMG Guidelines, 2015. Collection method: literature only. Allele origin: germline. Affected: yes.
Comment: This variant and it's classification has been reported by Vasileiou et al. 2019; DOI:10.1101/576918. The variants has previously been reported in PMID:30259503 as "c.1-?_809+?del p.Met1_Arg270del Exon deletion 1,2,3" with clinical significance Pathogenic. It has been re-classified using InterVar and manual curation as Pathogenic based on PVS1 PM2 PP3.

Literature cited by the submitters: PubMed 30259503; DOI 10.1101/576918.

NM_000458.3:c.1_809del

Gene: HNF1B (HNF1 homeobox B; minus strand). Cytogenetic location: 17q12.
Variant type: Deletion.
Identifiers: ClinVar variation 635752 (VCV000635752.1).